The following is an entry in ClinVar:

NM_207391.3(RGS9BP):c.349G>A (p.Val117Met)

Gene: RGS9BP (regulator of G protein signaling 9 binding protein; plus strand). Cytogenetic location: 19q13.11.
Variant type: single nucleotide variant.
Coding change: c.349G>A on transcript NM_207391.3 (MANE Select); coding-DNA position 349, G replaced by A.
Protein change: p.Val117Met; replaces valine 117 with methionine.
Molecular consequence: missense variant.
Genome position (GRCh38, 1-based): chr19:32,676,612, G>A. VCF-style: chr19-32676612-G-A. GRCh37 (hg19) VCF-style: chr19-33167518-G-A.
Other names: c.349G>A (NM_207391.2); short protein forms V117M.
Identifiers: ClinVar variation 1423765 (VCV001423765.4), dbSNP rs1307759105, ClinGen allele CA405186477.

ClinVar aggregate classification (germline): Uncertain significance. Review status: criteria provided, multiple submitters, no conflicts (2 of 4 stars). 2 submissions from 2 submitters: Uncertain significance (2). Last evaluated 2023-11-29.

Allele frequency attached by ClinVar (database versions not stated): gnomAD 0.00001; gnomAD exomes 0.00001 and 0.00005; TOPMed 0.00003.
gnomAD v4.1: 15 of 1,526,546 alleles (0.00098%); highest among the groups gnomAD compares: Admixed American, 0.014%; no homozygotes.

Submissions (2):

Ambry Genetics
Classification: Uncertain significance. Last evaluated: 2023-11-29. Review status: criteria provided, single submitter. Criteria: Ambry Variant Classification Scheme 2023. Collection method: clinical testing. Allele origin: germline.

Labcorp Genetics (formerly Invitae), Labcorp
Classification: Uncertain significance. Last evaluated: 2022-10-05. Review status: criteria provided, single submitter. Criteria: Invitae Variant Classification Sherloc (09022015). Collection method: clinical testing. Allele origin: germline.
Comment: This sequence change replaces valine, which is neutral and non-polar, with methionine, which is neutral and non-polar, at codon 117 of the RGS9BP protein (p.Val117Met). This variant is present in population databases (no rsID available, gnomAD 0.02%). This variant has not been reported in the literature in individuals affected with RGS9BP-related conditions. ClinVar contains an entry for this variant (Variation ID: 1423765). Algorithms developed to predict the effect of missense changes on protein structure and function output the following: SIFT: "Tolerated"; PolyPhen-2: "Probably Damaging"; Align-GVGD: "Class C0". The methionine amino acid residue is found in multiple mammalian species, which suggests that this missense change does not adversely affect protein function. In summary, the available evidence is currently insufficient to determine the role of this variant in disease. Therefore, it has been classified as a Variant of Uncertain Significance.